The following is an entry in ClinVar:

NM_001376.5(DYNC1H1):c.5527C>T (p.Arg1843Ter)

Gene: DYNC1H1 (dynein cytoplasmic 1 heavy chain 1; plus strand). Cytogenetic location: 14q32.31.
Variant type: single nucleotide variant.
Coding change: c.5527C>T on transcript NM_001376.5 (MANE Select); coding-DNA position 5527, C replaced by T.
Protein change: p.Arg1843Ter; replaces arginine 1843 with a stop codon.
Molecular consequence: nonsense.
Genome position (GRCh38, 1-based): chr14:102,005,981, C>T. VCF-style: chr14-102005981-C-T. GRCh37 (hg19) VCF-style: chr14-102472318-C-T.
Other names: short protein forms R1843*.
Identifiers: ClinVar variation 871287 (VCV000871287.48), dbSNP rs2048192622, ClinGen allele CA391048275.

ClinVar aggregate classification (germline): Conflicting classifications of pathogenicity. Review status: criteria provided, conflicting classifications (1 of 4 stars). 4 submissions from 4 submitters: Likely pathogenic (1); Uncertain significance (3). Last evaluated 2025-06-04.

Conditions:
Charcot-Marie-Tooth disease axonal type 2O. Also called: Charcot-Marie-Tooth Neuropathy Type 2O; Charcot-Marie-Tooth disease, axonal, type 20; CHARCOT-MARIE-TOOTH NEUROPATHY, AXONAL, TYPE 2O; CHARCOT-MARIE-TOOTH DISEASE, AXONAL, AUTOSOMAL DOMINANT, TYPE 2O. Identifiers: Orphanet 284232, MedGen C3280220, MONDO:0013644, OMIM 614228.
DYNC1H1-related disorder. Also called: DYNC1H1-related condition; DYNC1H1-related disorders. Identifiers: MedGen CN381529.

Submissions (4):

Labcorp Genetics (formerly Invitae), Labcorp
Classification: Uncertain significance for Charcot-Marie-Tooth disease axonal type 2O. Last evaluated: 2025-06-04. Review status: criteria provided, single submitter. Criteria: Invitae Variant Classification Sherloc (09022015). Collection method: clinical testing. Allele origin: germline.
Comment: This sequence change creates a premature translational stop signal (p.Arg1843*) in the DYNC1H1 gene. It is expected to result in an absent or disrupted protein product. However, the current clinical and genetic evidence is not sufficient to establish whether loss-of-function variants in DYNC1H1 cause disease. This variant is not present in population databases (gnomAD no frequency). This variant has not been reported in the literature in individuals affected with DYNC1H1-related conditions. ClinVar contains an entry for this variant (Variation ID: 871287). In summary, the available evidence is currently insufficient to determine the role of this variant in disease. Therefore, it has been classified as a Variant of Uncertain Significance.

Blueprint Genetics
Classification: Likely pathogenic for DYNC1H1-related disorders. Last evaluated: 2023-09-08. Review status: criteria provided, single submitter. Criteria: ACMG Guidelines, 2015. Collection method: clinical testing. Allele origin: germline. Affected: yes. Observed: 1 variant allele.

GeneDx
Classification: Uncertain significance. Last evaluated: 2022-05-04. Review status: criteria provided, single submitter. Criteria: GeneDx Variant Classification Process June 2021. Collection method: clinical testing. Allele origin: germline. Affected: yes.
Comment: Not observed at significant frequency in large population cohorts (gnomAD); Nonsense variant predicted to result in protein truncation or nonsense mediated decay in a gene or region of a gene for which loss of function is not a well-established mechanism of disease; Has not been previously published as pathogenic or benign to our knowledge

CeGaT Center for Human Genetics Tuebingen
Classification: Uncertain significance. Last evaluated: 2019-12-01. Review status: criteria provided, single submitter. Criteria: CeGaT Center For Human Genetics Tuebingen Variant Classification Criteria Version 2. Collection method: clinical testing. Allele origin: germline. Affected: yes. Observed: 1 variant allele.